The following is an entry in ClinVar:

ClinVar aggregate classification (germline): Uncertain significance (1 of 4 stars; one submission).

Allele frequency attached by ClinVar (database versions not stated): gnomAD exomes below 0.00001; ExAC 0.00001.
gnomAD v4.1: 1 of 1,612,668 alleles (0.000062%); highest among the groups gnomAD compares: Admixed American, 0.0017%; no homozygotes.

Submission:

Labcorp Genetics (formerly Invitae), Labcorp
Classification: Uncertain significance. Last evaluated: 2022-08-05. Review status: criteria provided, single submitter. Criteria: Invitae Variant Classification Sherloc (09022015). Collection method: clinical testing. Allele origin: germline.
Comment: In summary, the available evidence is currently insufficient to determine the role of this variant in disease. Therefore, it has been classified as a Variant of Uncertain Significance. Algorithms developed to predict the effect of missense changes on protein structure and function are either unavailable or do not agree on the potential impact of this missense change (SIFT: "Tolerated"; PolyPhen-2: "Probably Damaging"; Align-GVGD: "Class C0"). This variant has not been reported in the literature in individuals affected with PDE10A-related conditions. This variant is present in population databases (rs755329253, gnomAD 0.003%). This sequence change replaces glutamic acid, which is acidic and polar, with glutamine, which is neutral and polar, at codon 46 of the PDE10A protein (p.Glu46Gln).

NM_001385079.1(PDE10A):c.934G>C (p.Glu312Gln)

Gene: PDE10A (phosphodiesterase 10A; minus strand). Cytogenetic location: 6q27.
Variant type: single nucleotide variant.
Coding change: c.934G>C on transcript NM_001385079.1 (MANE Select); coding-DNA position 934, G replaced by C.
Protein change: p.Glu312Gln; replaces glutamic acid 312 with glutamine.
Molecular consequence: missense variant.
Genome position (GRCh38, 1-based): chr6:165,543,500, C>G on the plus strand (G>C on the coding strand, the complement: PDE10A is on the minus strand). VCF-style: chr6-165543500-C-G. GRCh37 (hg19) VCF-style: chr6-165956988-C-G.
Other names: c.136G>C, p.Glu46Gln (NM_001130690.3); c.106G>C, p.Glu36Gln (NM_006661.4); short protein forms E312Q, E36Q, E46Q.
Identifiers: ClinVar variation 1715111 (VCV001715111.5), dbSNP rs755329253, ClinGen allele CA4092592.
Genomic context (GRCh38, chr6:165,543,500, plus strand): 5'-CTTCTGATTTGTTGTTCTTCCTCTTCAGCCATTTCTCTACTGTCTCTGCACTAACACTTT[C>G]AGATACAAATTCATCTAATACCTGGGGGTGAAGAGAAAGATATGCCTTCACTTTTTCATC-3'
Protein context (NP_001372008.1, residues 302-322): HPQVLDEFVS[Glu312Gln]SVSAETVEKW